The following is an entry in ClinVar:

NM_000612.6(IGF2):c.145G>A (p.Gly49Ser)

Genes: IGF2 (insulin like growth factor 2; minus strand), INS-IGF2 (INS-IGF2 readthrough; minus strand). Cytogenetic location: 11p15.5.
Variant type: single nucleotide variant.
Coding change: c.145G>A on transcript NM_000612.6 (MANE Select); coding-DNA position 145, G replaced by A.
Protein change: p.Gly49Ser; replaces glycine 49 with serine.
Molecular consequence: missense variant. On other transcripts: non-coding transcript variant (1).
Genome position (GRCh38, 1-based): chr11:2,135,379, C>T on the plus strand (G>A on the coding strand, the complement: IGF2 is on the minus strand). VCF-style: chr11-2135379-C-T. GRCh37 (hg19) VCF-style: chr11-2156609-C-T.
Other names: c.313G>A (NM_001127598.1); c.145G>A, p.Gly49Ser (NM_001007139.6, NM_001291861.3, NM_001291862.3); c.313G>A, p.Gly105Ser (NM_001127598.3); short protein forms G105S, G49S.
Identifiers: ClinVar variation 2799899 (VCV002799899.5), dbSNP rs868067982, ClinGen allele CA379113804.
Genomic context (GRCh38, chr11:2,135,379, plus strand): 5'-ACTCTAGGGGCCTGACCAGGTCTGAGGAAGCCCCTCCCAGCTACTTACTGAAGTAGAAGC[C>T]GCGGTCCCCACAGACGAACTGGAGGGTGTCCACCAGCTCCCCGCCGCACAGGGTCTCACT-3'
Protein context (NP_000603.1, residues 39-59): DTLQFVCGDR[Gly49Ser]FYFSRPASRV

ClinVar aggregate classification (germline): Conflicting classifications of pathogenicity. Review status: criteria provided, conflicting classifications (1 of 4 stars). 3 submissions from 3 submitters: Likely pathogenic (1); Uncertain significance (2). Last evaluated 2025-01-10.

Conditions:
Inborn genetic diseases. Identifiers: MedGen C0950123, MeSH D030342.

Allele frequency attached by ClinVar (database versions not stated): gnomAD exomes below 0.00001.
gnomAD v4.1: 1 of 1,612,056 alleles (0.000062%); highest among the groups gnomAD compares: Non-Finnish European, 0.000085%; no homozygotes.

Submissions (3):

Ambry Genetics
Classification: Uncertain significance for Inborn genetic diseases. Last evaluated: 2025-01-10. Review status: criteria provided, single submitter. Criteria: Ambry Variant Classification Scheme 2023. Collection method: clinical testing. Allele origin: germline.

Labcorp Genetics (formerly Invitae), Labcorp
Classification: Uncertain significance. Last evaluated: 2024-07-11. Review status: criteria provided, single submitter. Criteria: Invitae Variant Classification Sherloc (09022015). Collection method: clinical testing. Allele origin: germline.
Comment: This sequence change replaces glycine, which is neutral and non-polar, with serine, which is neutral and polar, at codon 49 of the IGF2 protein (p.Gly49Ser). This variant is not present in population databases (gnomAD no frequency). This variant has not been reported in the literature in individuals affected with IGF2-related conditions. An algorithm developed to predict the effect of missense changes on protein structure and function (PolyPhen-2) suggests that this variant is likely to be disruptive. In summary, the available evidence is currently insufficient to determine the role of this variant in disease. Therefore, it has been classified as a Variant of Uncertain Significance.

GeneDx
Classification: Likely pathogenic. Last evaluated: 2024-07-10. Review status: criteria provided, single submitter. Criteria: GeneDx Variant Classification Process June 2021. Collection method: clinical testing. Allele origin: germline. Affected: yes.
Comment: Not observed at significant frequency in large population cohorts (gnomAD); In silico analysis supports that this missense variant has a deleterious effect on protein structure/function; Has not been previously published as pathogenic or benign to our knowledge